The following is an entry in ClinVar:

ClinVar aggregate classification (germline): Conflicting classifications of pathogenicity. Review status: criteria provided, conflicting classifications (1 of 4 stars). 2 submissions from 2 submitters: Uncertain significance (1); Likely benign (1). Last evaluated 2024-12-18.

Conditions:
Melanoma, cutaneous malignant, susceptibility to, 5. Also called: Cutaneous malignant melanoma 5. Identifiers: Orphanet 618, MedGen C2751295, MONDO:0013133, OMIM 613099.

gnomAD v4.1: 22 of 1,606,694 alleles (0.0014%); highest among the groups gnomAD compares: African/African-American, 0.0067%; no homozygotes.

Submissions (2):

Labcorp Genetics (formerly Invitae), Labcorp
Classification: Uncertain significance for Melanoma, cutaneous malignant, susceptibility to, 5. Last evaluated: 2024-12-18. Review status: criteria provided, single submitter. Criteria: Invitae Variant Classification Sherloc (09022015). Collection method: clinical testing. Allele origin: germline.
Comment: This sequence change replaces arginine, which is basic and polar, with glutamine, which is neutral and polar, at codon 162 of the MC1R protein (p.Arg162Gln). This variant is present in population databases (rs759569604, gnomAD 0.003%). This variant has not been reported in the literature in individuals affected with MC1R-related conditions. Invitae Evidence Modeling of protein sequence and biophysical properties (such as structural, functional, and spatial information, amino acid conservation, physicochemical variation, residue mobility, and thermodynamic stability) indicates that this missense variant is not expected to disrupt MC1R protein function with a negative predictive value of 80%. In summary, the available evidence is currently insufficient to determine the role of this variant in disease. Therefore, it has been classified as a Variant of Uncertain Significance.

Ambry Genetics
Classification: Likely benign. Last evaluated: 2024-12-07. Review status: criteria provided, single submitter. Criteria: Ambry Variant Classification Scheme 2023. Collection method: clinical testing. Allele origin: germline.

NM_002386.4(MC1R):c.485G>A (p.Arg162Gln)

Gene: MC1R (melanocortin 1 receptor; plus strand). Cytogenetic location: 16q24.3.
Variant type: single nucleotide variant.
Coding change: c.485G>A on transcript NM_002386.4 (MANE Select); coding-DNA position 485, G replaced by A.
Protein change: p.Arg162Gln; replaces arginine 162 with glutamine.
Molecular consequence: missense variant.
Genome position (GRCh38, 1-based): chr16:89,919,743, G>A. VCF-style: chr16-89919743-G-A. GRCh37 (hg19) VCF-style: chr16-89986151-G-A.
Other names: short protein forms R162Q.
Identifiers: ClinVar variation 3543991 (VCV003543991.3).
Genomic context (GRCh38, chr16:89,919,743, plus strand): 5'-GCTACATCTCCATCTTCTACGCACTGCGCTACCACAGCATCGTGACCCTGCCGCGGGCGC[G>A]GCGAGCCGTTGCGGCCATCTGGGTGGCCAGTGTCGTCTTCAGCACGCTCTTCATCGCCTA-3'
Protein context (NP_002377.4, residues 152-172): YHSIVTLPRA[Arg162Gln]RAVAAIWVAS